The following is an entry in ClinVar:

NM_003954.5(MAP3K14):c.1931C>T (p.Ala644Val)

Gene: MAP3K14 (mitogen-activated protein kinase kinase kinase 14; minus strand). Cytogenetic location: 17q21.31.
Variant type: single nucleotide variant.
Coding change: c.1931C>T on transcript NM_003954.5 (MANE Select); coding-DNA position 1931, C replaced by T.
Protein change: p.Ala644Val; replaces alanine 644 with valine.
Molecular consequence: missense variant.
Genome position (GRCh38, 1-based): chr17:45,270,454, G>A on the plus strand (C>T on the coding strand, the complement: MAP3K14 is on the minus strand). VCF-style: chr17-45270454-G-A. GRCh37 (hg19) VCF-style: chr17-43347821-G-A.
Other names: short protein forms A644V.
Identifiers: ClinVar variation 1038261 (VCV001038261.7), dbSNP rs2044133793, ClinGen allele CA399878635.
Genomic context (GRCh38, chr17:45,270,454, plus strand): 5'-AGCGTGGGGCTCTTCCTACCTTGCTGTAGTGCCCGGTTCACCTTCCCTCCCAGCTCCGCT[G>A]CAGACACGCGGTGGATGGGCTCTTTCCTCAGCCCCTCTTGGATGGCCTGGGCTGTGAGAG-3'
Protein context (NP_003945.2, residues 634-654): LRKEPIHRVS[Ala644Val]AELGGKVNRA

ClinVar aggregate classification (germline): Uncertain significance (1 of 4 stars; one submission).

Conditions:
NIK deficiency. Also called: Primary immunodeficiency with multifaceted aberrant lymphoid immunity. Identifiers: Orphanet 447731, MedGen C5680065, MONDO:0018642.

Submission:

Labcorp Genetics (formerly Invitae), Labcorp
Classification: Uncertain significance for NIK deficiency. Last evaluated: 2024-10-15. Review status: criteria provided, single submitter. Criteria: Invitae Variant Classification Sherloc (09022015). Collection method: clinical testing. Allele origin: germline.
Comment: This sequence change replaces alanine, which is neutral and non-polar, with valine, which is neutral and non-polar, at codon 644 of the MAP3K14 protein (p.Ala644Val). This variant is not present in population databases (gnomAD no frequency). This variant has not been reported in the literature in individuals affected with MAP3K14-related conditions. ClinVar contains an entry for this variant (Variation ID: 1038261). Experimental studies and prediction algorithms are not available or were not evaluated, and the functional significance of this variant is currently unknown. In summary, the available evidence is currently insufficient to determine the role of this variant in disease. Therefore, it has been classified as a Variant of Uncertain Significance.